The following is an entry in ClinVar:

NM_145868.2(ANXA11):c.222CCCTGGGGC[1] (p.75PGA[1])

Genes: ANXA11 (annexin A11; minus strand), LOC130004184 (ATAC-STARR-seq lymphoblastoid silent region 2543; plus strand). Cytogenetic location: 10q22.3.
Variant type: Microsatellite.
Coding change: c.222CCCTGGGGC[1] on transcript NM_145868.2 (MANE Select); one copy of the 9-base unit CCCTGGGGC starting at c.222; the reference has two copies in a row; one copy, 9 bases deleted.
Protein change: p.75PGA[1].
Molecular consequence: inframe deletion.
Genome position (GRCh38, 1-based): chr10:80,169,291-80,169,299, GCCCCAGGG deleted on the plus strand (CCCTGGGGC on the coding strand, the reverse complement: ANXA11 is on the minus strand); deleting any 9 consecutive bases within chr10:80,169,291-80,169,308 gives the same sequence; the position shown is the placement nearest the transcript's 3' end. VCF-style (leftmost placement, unchanged base first): chr10-80169290-AGCCCCAGGG-A. GRCh37 (hg19) VCF-style: chr10-81929046-AGCCCCAGGG-A.
Other names: c.231_239del9 (NM_145869.1); c.222CCCTGGGGC[1], p.75PGA[1] (NM_001157.3, NM_001278407.2, NM_001278408.2 and 1 more transcripts); c.123CCCTGGGGC[1], p.42PGA[1] (NM_001278409.2).
Identifiers: ClinVar variation 1628225 (VCV001628225.10), dbSNP rs763231253, ClinGen allele CA5576334.

ClinVar aggregate classification (germline): Likely benign. Review status: criteria provided, single submitter (1 of 4 stars). 2 submissions from 2 submitters: Likely benign (1). 1 of the submissions does not count toward it. Last evaluated 2025-11-24.

Conditions:
ANXA11-related disorder. Also called: ANXA11-related condition.

Submissions (2):

Labcorp Genetics (formerly Invitae), Labcorp
Classification: Likely benign. Last evaluated: 2025-11-24. Review status: criteria provided, single submitter. Criteria: Invitae Variant Classification Sherloc (09022015). Collection method: clinical testing. Allele origin: germline.

PreventionGenetics, part of Exact Sciences
Classification: Likely benign for ANXA11-related condition. Last evaluated: 2023-09-22. Review status: no assertion criteria provided. Collection method: clinical testing. Allele origin: germline. Not counted in ClinVar's aggregate classification.
Comment: This variant is classified as likely benign based on ACMG/AMP sequence variant interpretation guidelines (Richards et al. 2015 PMID: 25741868, with internal and published modifications).